The following is an entry in ClinVar:

ClinVar aggregate classification (germline): Likely pathogenic (1 of 4 stars; one submission).

Conditions:
Dyschromatosis universalis hereditaria 1 (DUH1). Identifiers: MedGen C2675711, MONDO:0024524, OMIM 127500.

Submission:

3billion
Classification: Likely pathogenic for Dyschromatosis universalis hereditaria 1. Last evaluated: 2023-10-24. Review status: criteria provided, single submitter. Criteria: ACMG Guidelines, 2015. Collection method: clinical testing. Allele origin: germline. Affected: yes.
Comment: The variant is not observed in the gnomAD v2.1.1 dataset. Predicted Consequence/Location: Missense changes are a common disease-causing mechanism. Different nucleotide change resulting in same amino acid change has been previously reported as pathogenic/likely pathogenic with strong evidence (ClinVar ID: VCV002430242 /PMID: 37056170). Different missense changes at the same codon (p.Ser516Asn, p.Ser516Ile) have been reported to be associated with SASH1 related disorder (PMID: 32981204, 34028087). Therefore, this variant is classified as Likely pathogenic according to the recommendation of ACMG/AMP guideline.

Literature cited by the submitters: PubMed 37056170; PubMed 32981204.

NM_015278.5(SASH1):c.1546A>C (p.Ser516Arg)

Gene: SASH1 (SAM and SH3 domain containing 1; plus strand). Cytogenetic location: 6q25.1.
Variant type: single nucleotide variant.
Coding change: c.1546A>C on transcript NM_015278.5 (MANE Select); coding-DNA position 1546, A replaced by C.
Protein change: p.Ser516Arg; replaces serine 516 with arginine.
Molecular consequence: missense variant.
Genome position (GRCh38, 1-based): chr6:148,531,643, A>C. VCF-style: chr6-148531643-A-C. GRCh37 (hg19) VCF-style: chr6-148852779-A-C.
Other names: c.1174A>C, p.Ser392Arg (NM_001346506.2); c.829A>C, p.Ser277Arg (NM_001346507.2); c.1318A>C, p.Ser440Arg (NM_001346508.2); c.1195A>C, p.Ser399Arg (NM_001346509.2); c.1411A>C, p.Ser471Arg (NM_001346505.2); short protein forms S277R, S392R, S399R, S440R, S471R, S516R.
Identifiers: ClinVar variation 3775235 (VCV003775235.1).